The following is an entry in ClinVar:

ClinVar aggregate classification (germline): Likely benign. Review status: criteria provided, multiple submitters, no conflicts (2 of 4 stars). 4 submissions from 4 submitters: Likely benign (3). 1 of the submissions does not count toward it. Last evaluated 2026-01-26.

Conditions:
EPG5-related disorder. Also called: EPG5-related condition. Identifiers: MedGen CN381528.
Vici syndrome (VICIS). Identifiers: Orphanet 1493, MedGen C1855772, MONDO:0009452, OMIM 242840.

Submissions (4):

Labcorp Genetics (formerly Invitae), Labcorp
Classification: Likely benign for Vici syndrome. Last evaluated: 2026-01-26. Review status: criteria provided, single submitter. Criteria: Invitae Variant Classification Sherloc (09022015). Collection method: clinical testing. Allele origin: germline.

Blueprint Genetics
Classification: Likely benign. Last evaluated: 2024-03-11. Review status: criteria provided, single submitter. Criteria: ACMG Guidelines, 2015. Collection method: clinical testing. Allele origin: germline.

GeneDx
Classification: Likely benign. Last evaluated: 2020-09-01. Review status: criteria provided, single submitter. Criteria: GeneDx Variant Classification Process June 2021. Collection method: clinical testing. Allele origin: germline. Affected: yes.

PreventionGenetics, part of Exact Sciences
Classification: Benign for EPG5-related condition. Last evaluated: 2024-05-15. Review status: no assertion criteria provided. Collection method: clinical testing. Allele origin: germline. Not counted in ClinVar's aggregate classification.
Comment: This variant is classified as benign based on ACMG/AMP sequence variant interpretation guidelines (Richards et al. 2015 PMID: 25741868, with internal and published modifications).

NM_020964.3(EPG5):c.6622-23_6622-13dup

Gene: EPG5 (ectopic P-granules 5 autophagy tethering factor; minus strand). Cytogenetic location: 18q12.3.
Variant type: Duplication.
Coding change: c.6622-23_6622-13dup on transcript NM_020964.3 (MANE Select); 23 bases into the intron before coding-DNA position 6622 through 13 bases into the intron before coding-DNA position 6622, 11 bases duplicated (TTTTTTTTTTT).
Molecular consequence: intron variant.
Genome position (GRCh38, 1-based): chr18:45,865,766-45,865,776, AAAAAAAAAAA duplicated on the plus strand (TTTTTTTTTTT on the coding strand, the reverse complement: EPG5 is on the minus strand); duplicating any 11 consecutive bases within chr18:45,865,766-45,865,782 gives the same sequence; the c. name uses the placement nearest the transcript's 3' end. VCF-style (leftmost placement, unchanged base first): chr18-45865765-C-CAAAAAAAAAAA. GRCh37 (hg19) VCF-style: chr18-43445730-C-CAAAAAAAAAAA.
Other names: c.6622-17_6622-7dup11 (NM_020964.2).
Identifiers: ClinVar variation 1107893 (VCV001107893.14), dbSNP rs11333207, ClinGen allele CA299698319.